The following is an entry in ClinVar:

NM_006648.4(WNK2):c.281C>T (p.Ala94Val)

Gene: WNK2 (WNK lysine deficient protein kinase 2; plus strand). Cytogenetic location: 9q22.31.
Variant type: single nucleotide variant.
Coding change: c.281C>T on transcript NM_006648.4 (MANE Select); coding-DNA position 281, C replaced by T.
Protein change: p.Ala94Val; replaces alanine 94 with valine.
Molecular consequence: missense variant.
Genome position (GRCh38, 1-based): chr9:93,185,210, C>T. VCF-style: chr9-93185210-C-T. GRCh37 (hg19) VCF-style: chr9-95947492-C-T.
Other names: c.281C>T, p.Ala94Val (NM_001282394.3); short protein forms A94V.
Identifiers: ClinVar variation 4866700 (VCV004866700.1).
Genomic context (GRCh38, chr9:93,185,210, plus strand): 5'-GGGTGCTTCTGCTCTGCAAGACGCGCCGCCTCATCGCGGAGCGCGCCCGCGGACGCCCCG[C>T]CGCCCCCGCGCCCGCAGCGCTGGTAGCGCAGCCGGGAGCCCCCGGAGCCCCCGCGGACGC-3'
Protein context (NP_006639.3, residues 84-104): LIAERARGRP[Ala94Val]APAPAALVAQ

ClinVar aggregate classification (germline): Uncertain significance (1 of 4 stars; one submission).

Submission:

Ambry Genetics
Classification: Uncertain significance. Last evaluated: 2026-05-23. Review status: criteria provided, single submitter. Criteria: Ambry Variant Classification Scheme 2023. Collection method: clinical testing. Allele origin: germline.
Comment: The p.A94V variant (also known as c.281C>T), located in coding exon 1 of the WNK2 gene, results from a C to T substitution at nucleotide position 281. The alanine at codon 94 is replaced by valine, an amino acid with similar properties. This amino acid position is conserved. In addition, this alteration is predicted to be tolerated by in silico analysis. Based on the available evidence, the clinical significance of this variant remains unclear.